The following is an entry in ClinVar:

ClinVar aggregate classification (germline): Likely pathogenic. Review status: criteria provided, multiple submitters, no conflicts (2 of 4 stars). 2 submissions from 2 submitters: Likely pathogenic (2). Last evaluated 2022-02-17.

Conditions:
Cardiomyopathy (CMYO). Also called: Cardiomyopathies. Identifiers: Orphanet 167848, MedGen C0878544, MONDO:0004994, HP:0001638. Inheritance: Various modes of inheritance.
Hypertrophic cardiomyopathy. Also called: HYPERTROPHIC MYOCARDIOPATHY. Identifiers: Orphanet 217569, MedGen C0007194, MeSH D002312, MONDO:0005045, HP:0001639.

Submissions (2):

CHEO Genetics Diagnostic Laboratory, Children's Hospital of Eastern Ontario
Classification: Likely pathogenic for Cardiomyopathy. Last evaluated: 2022-02-17. Review status: criteria provided, single submitter. Criteria: ACMG Guidelines, 2015. Collection method: clinical testing. Allele origin: germline.

Laboratory for Molecular Medicine, Mass General Brigham Personalized Medicine
Classification: Likely pathogenic for Hypertrophic cardiomyopathy. Last evaluated: 2021-06-01. Review status: criteria provided, single submitter. Criteria: ACMG Guidelines, 2015. Collection method: clinical testing. Allele origin: germline. Inheritance: Autosomal dominant inheritance.
Comment: proposed classification - variant undergoing re-assessment, contact laboratory

Literature cited by the submitters: PubMed 20474083 (cited by Laboratory for Molecular Medicine, Mass General Brigham Personalized Medicine); PubMed 25611685 (cited by Laboratory for Molecular Medicine, Mass General Brigham Personalized Medicine); PubMed 27532257 (cited by Laboratory for Molecular Medicine, Mass General Brigham Personalized Medicine).

NM_000256.3(MYBPC3):c.3476_3477del (p.Phe1159fs)

Gene: MYBPC3 (myosin binding protein C3; minus strand). Cytogenetic location: 11p11.2.
Variant type: Deletion.
Coding change: c.3476_3477del on transcript NM_000256.3 (MANE Select); coding-DNA positions 3476 to 3477, 2 bases deleted (TT; older notation c.3476_3477delTT).
Protein change: p.Phe1159fs; shifts the reading frame from phenylalanine 1159.
Molecular consequence: frameshift variant.
Genome position (GRCh38, 1-based): chr11:47,332,827-47,332,828, AA deleted on the plus strand (TT on the coding strand, the reverse complement: MYBPC3 is on the minus strand); deleting any 2 consecutive bases within chr11:47,332,827-47,332,829 gives the same sequence; the c. name uses the placement nearest the transcript's 3' end. VCF-style (leftmost placement, unchanged base first): chr11-47332826-TAA-T. GRCh37 (hg19) VCF-style: chr11-47354377-TAA-T.
Other names: c.3476_3477delTT (NM_000256.3); c.3476_3477del, p.Phe1159fs (LRG_386t1); short protein forms F1159fs.
Identifiers: ClinVar variation 177784 (VCV000177784.7), dbSNP rs727504321, ClinGen allele CA014212.